The following is an entry in ClinVar:

ClinVar aggregate classification (germline): Conflicting classifications of pathogenicity. Review status: criteria provided, conflicting classifications (1 of 4 stars). 2 submissions from 2 submitters: Uncertain significance (1); Likely benign (1). Last evaluated 2025-08-01.

Conditions:
Intellectual developmental disorder with autism and macrocephaly. Also called: Autism, susceptibility to, 18; CHD8-Related Neurodevelopmental Disorder with Overgrowth. Identifiers: Orphanet 642675, MedGen C3554373, MONDO:0014017, OMIM 615032.

gnomAD v4.1: 14 of 1,568,624 alleles (0.00089%); highest among the groups gnomAD compares: Non-Finnish European, 0.00095%; no homozygotes.

Submissions (2):

CeGaT Center for Human Genetics Tuebingen
Classification: Likely benign. Last evaluated: 2025-08-01. Review status: criteria provided, single submitter. Criteria: CeGaT Center For Human Genetics Tuebingen Variant Classification Criteria Version 2. Collection method: clinical testing. Allele origin: germline. Affected: yes. Observed: 1 variant allele.
Comment: CHD8: BP4

Neuberg Centre For Genomic Medicine, NCGM
Classification: Uncertain significance for Intellectual developmental disorder with autism and macrocephaly. Last evaluated: 2023-05-20. Review status: criteria provided, single submitter. Criteria: ACMG Guidelines, 2015. Collection method: clinical testing. Allele origin: germline. Inheritance: Autosomal dominant inheritance. Affected: yes.
Comment: The observed missense c.6310G>A(p.Glu2104Lys) variant in CHD8 gene has not been reported previously as a pathogenic variant nor a benign variant, to our knowledge. The p.Glu2104Lys variant is absent in gnomAD Exomes. This variant has not been submitted to the ClinVar database. Multiple lines of computational evidence (Polyphen - Benign, SIFT - Tolerated and MutationTaster - Disease causing) predict conflicting evidence on protein structure and function for this variant. The amino acid change p.Glu2104Lys in CHD8 is predicted as conserved by GERP++ and PhyloP across 100 vertebrates. The amino acid Glu at position 2104 is changed to a Lys changing protein sequence and it might alter its composition and physico-chemical properties. For these reasons, this variant has been classified as a Variant of Uncertain Significance (VUS).

NM_001170629.2(CHD8):c.6310G>A (p.Glu2104Lys)

Gene: CHD8 (chromodomain helicase DNA binding protein 8; minus strand). Cytogenetic location: 14q11.2.
Variant type: single nucleotide variant.
Coding change: c.6310G>A on transcript NM_001170629.2 (MANE Select); coding-DNA position 6310, G replaced by A.
Protein change: p.Glu2104Lys; replaces glutamic acid 2104 with lysine.
Molecular consequence: missense variant.
Genome position (GRCh38, 1-based): chr14:21,393,485, C>T on the plus strand (G>A on the coding strand, the complement: CHD8 is on the minus strand). VCF-style: chr14-21393485-C-T. GRCh37 (hg19) VCF-style: chr14-21861644-C-T.
Other names: c.5473G>A, p.Glu1825Lys (NM_020920.4); short protein forms E1825K, E2104K.
Identifiers: ClinVar variation 3341428 (VCV003341428.9).